The following is an entry in ClinVar:

ClinVar aggregate classification (germline): Pathogenic. Review status: reviewed by expert panel (3 of 4 stars). 2 submissions from 2 submitters: Pathogenic (1). 1 of the submissions does not count toward it. Last evaluated 2023-08-04.

Conditions:
CDH1-related diffuse gastric and lobular breast cancer syndrome. Also called: CDH1-related diffuse gastric and lobular breast cancer. Identifiers: MedGen CN311521, MONDO:0100488.

Submissions (2):

Clingen Gastric Cancer Variant Curation Expert Panel
Classification: Pathogenic for CDH1-related diffuse gastric and lobular breast cancer syndrome. Last evaluated: 2023-08-04. Review status: reviewed by expert panel. Criteria: ClinGen CDH1 ACMG Specifications V3.1. Collection method: curation. Allele origin: germline. Inheritance: Autosomal dominant inheritance.
Comment: The c.337A>T (p.Lys113Ter) variant is predicted to result in a premature stop codon that leads to nonsense mediate decay (PVS1 and PM5_supporting). The variant is absent in the gnomAD cohort (PM2_supporting). Therefore, this variant meets criteria to be classified as pathogenic based on the ACMG/AMP criteria applied as specified by the CDH1 Variant Curation Expert Panel (CDH1 VCEP specifications version 3.1): PVS1, PM2_supporting, PM5_supporting.

GeneDx
Classification: Pathogenic. Last evaluated: 2015-11-03. Review status: criteria provided, single submitter. Criteria: GeneDx Variant Classification (06012015). Collection method: clinical testing. Allele origin: germline. Affected: yes. Not counted in ClinVar's aggregate classification.
Comment: This variant is denoted CDH1 c.337A>T at the cDNA level and p.Lys113Ter (K113X) at the protein level. The substitution creates a nonsense variant, which changes a Lysine to a premature stop codon (AAA>TAA), and is predicted to cause loss of normal protein function through either protein truncation or nonsense-mediated mRNA decay. Although this variant has not, to our knowledge, been reported in the literature, it is considered pathogenic.

NM_004360.5(CDH1):c.337A>T (p.Lys113Ter)

Gene: CDH1 (cadherin 1; plus strand). Cytogenetic location: 16q22.1.
Variant type: single nucleotide variant.
Coding change: c.337A>T on transcript NM_004360.5 (MANE Select); coding-DNA position 337, A replaced by T.
Protein change: p.Lys113Ter; replaces lysine 113 with a stop codon.
Molecular consequence: nonsense. On other transcripts: 5 prime UTR variant (2).
Genome position (GRCh38, 1-based): chr16:68,801,843, A>T. VCF-style: chr16-68801843-A-T. GRCh37 (hg19) VCF-style: chr16-68835746-A-T.
Other names: c.337A>T (LRG_301t1); c.337A>T, p.Lys113Ter (NM_001317184.2); c.-1279A>T (NM_001317185.2); c.-1483A>T (NM_001317186.2); short protein forms K113*.
Identifiers: ClinVar variation 234594 (VCV000234594.4), dbSNP rs876661106, ClinGen allele CA10577535.